The following is an entry in ClinVar:

NM_001277115.2(DNAH11):c.549T>C (p.Phe183=)

Gene: DNAH11 (dynein axonemal heavy chain 11; plus strand). Cytogenetic location: 7p15.3.
Variant type: single nucleotide variant.
Coding change: c.549T>C on transcript NM_001277115.2 (MANE Select); coding-DNA position 549, T replaced by C.
Protein change: p.Phe183=; no amino-acid change (phenylalanine 183 retained).
Molecular consequence: synonymous variant.
Genome position (GRCh38, 1-based): chr7:21,558,855, T>C. VCF-style: chr7-21558855-T-C. GRCh37 (hg19) VCF-style: chr7-21598473-T-C.
Other names: c.549T>C, p.Phe183= (NM_003777.3).
Identifiers: ClinVar variation 3040785 (VCV003040785.2), dbSNP rs2534460362, ClinGen allele CA453962302.
Genomic context (GRCh38, chr7:21,558,855, plus strand): 5'-TCTCTAGATTTTAGTGCCAGTTCTTTCTAATAAGAACAACCATAAGTCCTGGTCCTGTTT[T>C]ACTTCACAAGATATGGAATATCACATAGAAGTCATGAAAAAGAAGATGTATATTTTTAGG-3'
Protein context (NP_001264044.1, residues 173-193): NKNNHKSWSC[Phe183=]TSQDMEYHIE

ClinVar aggregate classification (germline): Likely benign (0 of 4 stars; one submission).

Conditions:
DNAH11-related disorder. Also called: DNAH11-related condition.

Submission:

PreventionGenetics, part of Exact Sciences
Classification: Likely benign for DNAH11-related condition. Last evaluated: 2019-09-12. Review status: no assertion criteria provided. Collection method: clinical testing. Allele origin: germline.
Comment: This variant is classified as likely benign based on ACMG/AMP sequence variant interpretation guidelines (Richards et al. 2015 PMID: 25741868, with internal and published modifications).